The following is an entry in ClinVar:

NM_015450.3(POT1):c.1576C>T (p.Pro526Ser)

Gene: POT1 (protection of telomeres 1; minus strand). Cytogenetic location: 7q31.33.
Variant type: single nucleotide variant.
Coding change: c.1576C>T on transcript NM_015450.3 (MANE Select); coding-DNA position 1576, C replaced by T.
Protein change: p.Pro526Ser; replaces proline 526 with serine.
Molecular consequence: missense variant. On other transcripts: non-coding transcript variant (2).
Genome position (GRCh38, 1-based): chr7:124,829,272, G>A on the plus strand (C>T on the coding strand, the complement: POT1 is on the minus strand). VCF-style: chr7-124829272-G-A. GRCh37 (hg19) VCF-style: chr7-124469326-G-A.
Other names: c.1183C>T, p.Pro395Ser (NM_001042594.2); short protein forms P395S, P526S.
Identifiers: ClinVar variation 948046 (VCV000948046.11), dbSNP rs1794703492, ClinGen allele CA369064369.

ClinVar aggregate classification (germline): Uncertain significance. Review status: criteria provided, multiple submitters, no conflicts (2 of 4 stars). 2 submissions from 2 submitters: Uncertain significance (2). Last evaluated 2022-12-01.

Conditions:
Hereditary cancer-predisposing syndrome. Also called: Neoplastic Syndromes, Hereditary; Tumor predisposition; Hereditary Cancer Syndrome; Hereditary neoplastic syndrome. Identifiers: Orphanet 140162, MedGen C0027672, MeSH D009386, MONDO:0015356.
Tumor predisposition syndrome 3 (TPDS3). Also called: Glioma susceptibility 9; LONG TELOMERE SYNDROME, POT1-RELATED; POT1 Tumor Predisposition; Melanoma, cutaneous malignant, susceptibility to, 10. Identifiers: Orphanet 618, MedGen C4014476, MONDO:0014368, OMIM 615848.

gnomAD v4.1: 1 of 1,602,988 alleles (0.000062%); no homozygotes.

Submissions (2):

Ambry Genetics
Classification: Uncertain significance for Hereditary cancer-predisposing syndrome. Last evaluated: 2022-12-01. Review status: criteria provided, single submitter. Criteria: Ambry Variant Classification Scheme 2023. Collection method: clinical testing. Allele origin: germline.
Comment: The p.P526S variant (also known as c.1576C>T), located in coding exon 12 of the POT1 gene, results from a C to T substitution at nucleotide position 1576. The proline at codon 526 is replaced by serine, an amino acid with similar properties. This amino acid position is conserved. In addition, this alteration is predicted to be tolerated by in silico analysis. Since supporting evidence is limited at this time, the clinical significance of this alteration remains unclear.

Labcorp Genetics (formerly Invitae), Labcorp
Classification: Uncertain significance for Tumor predisposition syndrome 3. Last evaluated: 2019-05-02. Review status: criteria provided, single submitter. Criteria: Invitae Variant Classification Sherloc (09022015). Collection method: clinical testing. Allele origin: germline.
Comment: In summary, the available evidence is currently insufficient to determine the role of this variant in disease. Therefore, it has been classified as a Variant of Uncertain Significance. Algorithms developed to predict the effect of missense changes on protein structure and function are either unavailable or do not agree on the potential impact of this missense change (SIFT: "Tolerated"; PolyPhen-2: "Possibly Damaging"; Align-GVGD: "Class C0"). This variant has not been reported in the literature in individuals with POT1-related conditions. This variant is not present in population databases (ExAC no frequency). This sequence change replaces proline with serine at codon 526 of the POT1 protein (p.Pro526Ser). The proline residue is highly conserved and there is a moderate physicochemical difference between proline and serine.